The following is an entry in ClinVar:

NM_173630.4(RTTN):c.1583A>G (p.Tyr528Cys)

Gene: RTTN (rotatin; minus strand). Cytogenetic location: 18q22.2.
Variant type: single nucleotide variant.
Coding change: c.1583A>G on transcript NM_173630.4 (MANE Select); coding-DNA position 1583, A replaced by G.
Protein change: p.Tyr528Cys; replaces tyrosine 528 with cysteine.
Molecular consequence: missense variant. On other transcripts: 5 prime UTR variant (1).
Genome position (GRCh38, 1-based): chr18:70,168,961, T>C on the plus strand (A>G on the coding strand, the complement: RTTN is on the minus strand). VCF-style: chr18-70168961-T-C. GRCh37 (hg19) VCF-style: chr18-67836197-T-C.
Other names: c.1583A>G (NM_173630.3); c.-1065A>G (NM_001318520.2); short protein forms Y528C.
Identifiers: ClinVar variation 1521449 (VCV001521449.10), dbSNP rs899518043, ClinGen allele CA301937615.

ClinVar aggregate classification (germline): Uncertain significance. Review status: criteria provided, multiple submitters, no conflicts (2 of 4 stars). 3 submissions from 3 submitters: Uncertain significance (3). Last evaluated 2025-09-28.

Conditions:
Inborn genetic diseases. Identifiers: MedGen C0950123, MeSH D030342.

Allele frequency attached by ClinVar (database versions not stated): gnomAD 0.00001; gnomAD exomes 0.00001.
gnomAD v4.1: 10 of 1,613,130 alleles (0.00062%); highest among the groups gnomAD compares: East Asian, 0.0022%; no homozygotes.

Submissions (3):

Ambry Genetics
Classification: Uncertain significance for Inborn genetic diseases. Last evaluated: 2025-09-28. Review status: criteria provided, single submitter. Criteria: Ambry Variant Classification Scheme 2023. Collection method: clinical testing. Allele origin: germline.

GeneDx
Classification: Uncertain significance. Last evaluated: 2023-11-27. Review status: criteria provided, single submitter. Criteria: GeneDx Variant Classification Process June 2021. Collection method: clinical testing. Allele origin: germline. Affected: yes.
Comment: Not observed at significant frequency in large population cohorts (gnomAD); In silico analysis supports that this missense variant has a deleterious effect on protein structure/function; Has not been previously published as pathogenic or benign to our knowledge

Labcorp Genetics (formerly Invitae), Labcorp
Classification: Uncertain significance. Last evaluated: 2022-08-09. Review status: criteria provided, single submitter. Criteria: Invitae Variant Classification Sherloc (09022015). Collection method: clinical testing. Allele origin: germline.
Comment: This sequence change replaces tyrosine, which is neutral and polar, with cysteine, which is neutral and slightly polar, at codon 528 of the RTTN protein (p.Tyr528Cys). This variant is present in population databases (no rsID available, gnomAD 0.005%). This variant has not been reported in the literature in individuals affected with RTTN-related conditions. ClinVar contains an entry for this variant (Variation ID: 1521449). Algorithms developed to predict the effect of missense changes on protein structure and function are either unavailable or do not agree on the potential impact of this missense change (SIFT: "Deleterious"; PolyPhen-2: "Probably Damaging"; Align-GVGD: "Class C0"). In summary, the available evidence is currently insufficient to determine the role of this variant in disease. Therefore, it has been classified as a Variant of Uncertain Significance.